The following is an entry in ClinVar:

ClinVar aggregate classification (germline): Uncertain significance (1 of 4 stars; one submission).

Conditions:
Adams-Oliver syndrome 5 (AOS5). Identifiers: Orphanet 974, MedGen C4014970, MONDO:0014459, OMIM 616028.

Submission:

Labcorp Genetics (formerly Invitae), Labcorp
Classification: Uncertain significance for Adams-Oliver syndrome 5. Last evaluated: 2022-10-12. Review status: criteria provided, single submitter. Criteria: Invitae Variant Classification Sherloc (09022015). Collection method: clinical testing. Allele origin: germline.
Comment: This variant has not been reported in the literature in individuals affected with NOTCH1-related conditions. This sequence change replaces glutamine, which is neutral and polar, with histidine, which is basic and polar, at codon 300 of the NOTCH1 protein (p.Gln300His). This variant is not present in population databases (gnomAD no frequency). Advanced modeling of protein sequence and biophysical properties (such as structural, functional, and spatial information, amino acid conservation, physicochemical variation, residue mobility, and thermodynamic stability) performed at Invitae indicates that this missense variant is not expected to disrupt NOTCH1 protein function. In summary, the available evidence is currently insufficient to determine the role of this variant in disease. Therefore, it has been classified as a Variant of Uncertain Significance.

NM_017617.5(NOTCH1):c.900G>C (p.Gln300His)

Gene: NOTCH1 (notch receptor 1; minus strand). Cytogenetic location: 9q34.3.
Variant type: single nucleotide variant.
Coding change: c.900G>C on transcript NM_017617.5 (MANE Select); coding-DNA position 900, G replaced by C.
Protein change: p.Gln300His; replaces glutamine 300 with histidine.
Molecular consequence: missense variant.
Genome position (GRCh38, 1-based): chr9:136,518,790, C>G on the plus strand (G>C on the coding strand, the complement: NOTCH1 is on the minus strand). VCF-style: chr9-136518790-C-G. GRCh37 (hg19) VCF-style: chr9-139413242-C-G.
Other names: short protein forms Q300H.
Identifiers: ClinVar variation 1721491 (VCV001721491.5), dbSNP rs1843320159, ClinGen allele CA375565857.
Genomic context (GRCh38, chr9:136,518,790, plus strand): 5'-GTTGTAGCCACCGTGGGTGTTGTGGCAGGTCCCGCCGTTCTGGCAGGCATTTGGCATCAG[C>G]TGGCACTCGTCCACATCCTCGGTACAGTACTGACCTGCAGGGAACAGGAGCTGTCGGCCC-3'
Protein context (NP_060087.3, residues 290-310): QYCTEDVDEC[Gln300His]LMPNACQNGG